The following is an entry in ClinVar:

NM_000143.4(FH):c.317T>C (p.Val106Ala)

Gene: FH (fumarate hydratase; minus strand). Cytogenetic location: 1q43.
Variant type: single nucleotide variant.
Coding change: c.317T>C on transcript NM_000143.4 (MANE Select); coding-DNA position 317, T replaced by C.
Protein change: p.Val106Ala; replaces valine 106 with alanine.
Molecular consequence: missense variant.
Genome position (GRCh38, 1-based): chr1:241,513,664, A>G on the plus strand (T>C on the coding strand, the complement: FH is on the minus strand). VCF-style: chr1-241513664-A-G. GRCh37 (hg19) VCF-style: chr1-241676964-A-G.
Other names: short protein forms V106A.
Identifiers: ClinVar variation 823099 (VCV000823099.15), dbSNP rs1382226356, ClinGen allele CA345440765.

ClinVar aggregate classification (germline): Uncertain significance. Review status: criteria provided, multiple submitters, no conflicts (2 of 4 stars). 5 submissions from 5 submitters: Uncertain significance (4). 1 of the submissions does not count toward it. Last evaluated 2025-07-09.

Conditions:
Fumarase deficiency (FMRD). Also called: Fumarate Hydratase Deficiency; Fumaric aciduria. Identifiers: Orphanet 24, MedGen C0342770, MONDO:0011730, OMIM 606812.
Hereditary cancer-predisposing syndrome. Also called: Hereditary Cancer Syndrome; Neoplastic Syndromes, Hereditary; Hereditary neoplastic syndrome; Tumor predisposition. Identifiers: Orphanet 140162, MedGen C0027672, MeSH D009386, MONDO:0015356.

Allele frequency attached by ClinVar (database versions not stated): gnomAD exomes below 0.00001; gnomAD 0.00001 and 0.00002; TOPMed 0.00001.

Submissions (5):

Labcorp Genetics (formerly Invitae), Labcorp
Classification: Uncertain significance. Last evaluated: 2025-07-09. Review status: criteria provided, single submitter. Criteria: Invitae Variant Classification Sherloc (09022015). Collection method: clinical testing. Allele origin: germline.
Comment: This sequence change replaces valine, which is neutral and non-polar, with alanine, which is neutral and non-polar, at codon 106 of the FH protein (p.Val106Ala). This variant is present in population databases (no rsID available, gnomAD 0.008%). This variant has not been reported in the literature in individuals affected with FH-related conditions. ClinVar contains an entry for this variant (Variation ID: 823099). Invitae Evidence Modeling of protein sequence and biophysical properties (such as structural, functional, and spatial information, amino acid conservation, physicochemical variation, residue mobility, and thermodynamic stability) indicates that this missense variant is not expected to disrupt FH protein function with a negative predictive value of 80%. In summary, the available evidence is currently insufficient to determine the role of this variant in disease. Therefore, it has been classified as a Variant of Uncertain Significance.

Ambry Genetics
Classification: Uncertain significance for Hereditary cancer-predisposing syndrome. Last evaluated: 2023-09-21. Review status: criteria provided, single submitter. Criteria: Ambry Variant Classification Scheme 2023. Collection method: clinical testing. Allele origin: germline.
Comment: The p.V106A variant (also known as c.317T>C), located in coding exon 3 of the FH gene, results from a T to C substitution at nucleotide position 317. The valine at codon 106 is replaced by alanine, an amino acid with similar properties. This amino acid position is highly conserved in available vertebrate species. In addition, this alteration is predicted to be deleterious by in silico analysis. Since supporting evidence is limited at this time, the clinical significance of this alteration remains unclear.

Baylor Genetics
Classification: Uncertain significance for Fumarase deficiency. Last evaluated: 2023-09-18. Review status: criteria provided, single submitter. Criteria: ACMG Guidelines, 2015. Collection method: clinical testing. Allele origin: unknown.

GeneDx
Classification: Uncertain significance. Last evaluated: 2022-12-09. Review status: criteria provided, single submitter. Criteria: GeneDx Variant Classification Process June 2021. Collection method: clinical testing. Allele origin: germline. Affected: yes.
Comment: Not observed at significant frequency in large population cohorts (gnomAD); In silico analysis supports that this missense variant has a deleterious effect on protein structure/function; Has not been previously published as pathogenic or benign to our knowledge

Natera, Inc.
Classification: Uncertain significance for Fumarase Deficiency. Last evaluated: 2020-10-21. Review status: no assertion criteria provided. Collection method: clinical testing. Allele origin: germline. Not counted in ClinVar's aggregate classification.